The following is an entry in ClinVar:

NM_000548.5(TSC2):c.1382T>C (p.Val461Ala)

Gene: TSC2 (TSC complex subunit 2; plus strand). Cytogenetic location: 16p13.3.
Variant type: single nucleotide variant.
Coding change: c.1382T>C on transcript NM_000548.5 (MANE Select); coding-DNA position 1382, T replaced by C.
Protein change: p.Val461Ala; replaces valine 461 with alanine.
Molecular consequence: missense variant.
Genome position (GRCh38, 1-based): chr16:2,062,992, T>C. VCF-style: chr16-2062992-T-C. GRCh37 (hg19) VCF-style: chr16-2112993-T-C.
Other names: c.1382T>C, p.Val461Ala (NM_001077183.3, NM_001114382.3, NM_001363528.2 and 3 more transcripts); c.1271T>C, p.Val424Ala (NM_001318827.2); c.1235T>C, p.Val412Ala (NM_001318829.2); c.782T>C, p.Val261Ala (NM_001318831.2); c.1415T>C, p.Val472Ala (NM_001318832.2); short protein forms V261A, V412A, V461A, V472A, V424A.
Identifiers: ClinVar variation 952267 (VCV000952267.5), dbSNP rs2086823656, ClinGen allele CA394323707.

ClinVar aggregate classification (germline): Uncertain significance. Review status: criteria provided, multiple submitters, no conflicts (2 of 4 stars). 2 submissions from 2 submitters: Uncertain significance (2). Last evaluated 2025-05-26.

Conditions:
Tuberous sclerosis 2 (TSC2). Identifiers: Orphanet 805, MedGen C1860707, MONDO:0013199, OMIM 613254.

Submissions (2):

Labcorp Genetics (formerly Invitae), Labcorp
Classification: Uncertain significance for Tuberous sclerosis 2. Last evaluated: 2025-05-26. Review status: criteria provided, single submitter. Criteria: Invitae Variant Classification Sherloc (09022015). Collection method: clinical testing. Allele origin: germline.
Comment: This sequence change replaces valine, which is neutral and non-polar, with alanine, which is neutral and non-polar, at codon 461 of the TSC2 protein (p.Val461Ala). This variant is not present in population databases (gnomAD no frequency). This variant has not been reported in the literature in individuals affected with TSC2-related conditions. ClinVar contains an entry for this variant (Variation ID: 952267). Invitae Evidence Modeling of protein sequence and biophysical properties (such as structural, functional, and spatial information, amino acid conservation, physicochemical variation, residue mobility, and thermodynamic stability) indicates that this missense variant is not expected to disrupt TSC2 protein function with a negative predictive value of 95%. In summary, the available evidence is currently insufficient to determine the role of this variant in disease. Therefore, it has been classified as a Variant of Uncertain Significance.

GeneDx
Classification: Uncertain significance. Last evaluated: 2022-12-16. Review status: criteria provided, single submitter. Criteria: GeneDx Variant Classification Process June 2021. Collection method: clinical testing. Allele origin: germline. Affected: yes.
Comment: Not observed at significant frequency in large population cohorts (gnomAD); In silico analysis supports that this missense variant has a deleterious effect on protein structure/function; Has not been previously published as pathogenic or benign to our knowledge